The following is an entry in ClinVar:

ClinVar aggregate classification (germline): Pathogenic (1 of 4 stars; one submission).

Conditions:
Rhabdoid tumor predisposition syndrome 2 (RTPS2). Identifiers: Orphanet 231108, Orphanet 69077, MedGen C2750074, MONDO:0013224, OMIM 613325.

Submission:

Labcorp Genetics (formerly Invitae), Labcorp
Classification: Pathogenic for Rhabdoid tumor predisposition syndrome 2. Last evaluated: 2022-04-18. Review status: criteria provided, single submitter. Criteria: Invitae Variant Classification Sherloc (09022015). Collection method: clinical testing. Allele origin: germline.
Comment: For these reasons, this variant has been classified as Pathogenic. This variant has not been reported in the literature in individuals affected with SMARCA4-related conditions. This variant is not present in population databases (gnomAD no frequency). This sequence change creates a premature translational stop signal (p.Glu1327Glyfs*33) in the SMARCA4 gene. It is expected to result in an absent or disrupted protein product. Loss-of-function variants in SMARCA4 are known to be pathogenic (PMID: 24658001, 24658002).

Literature cited by the submitters: PubMed 24658001; PubMed 24658002.

NM_003072.5(SMARCA4):c.3980_3981del (p.Glu1327fs)

Gene: SMARCA4 (SWI/SNF related BAF chromatin remodeling complex subunit ATPase 4; plus strand). Cytogenetic location: 19p13.2.
Variant type: Deletion.
Coding change: c.3980_3981del on transcript NM_003072.5 (MANE Select); coding-DNA positions 3980 to 3981, 2 bases deleted (AG; older notation c.3980_3981delAG).
Protein change: p.Glu1327fs; shifts the reading frame from glutamic acid 1327.
Molecular consequence: frameshift variant. On other transcripts: non-coding transcript variant (1).
Genome position (GRCh38, 1-based): chr19:11,034,942-11,034,943, AG deleted; deleting any 2 consecutive bases within chr19:11,034,941-11,034,943 gives the same sequence; the c. name uses the placement nearest the transcript's 3' end. VCF-style (leftmost placement, unchanged base first): chr19-11034940-GGA-G. GRCh37 (hg19) VCF-style: chr19-11145616-GGA-G.
Other names: c.3980_3981del, p.Glu1327fs (NM_001128844.3, NM_001128849.3, NM_001387283.1); c.3881_3882del, p.Glu1294fs (NM_001128845.2, NM_001128846.2, NM_001128847.4 and 2 more transcripts); c.3881_3882delAG, p.Glu1294Glyfs (NM_001411150.1); short protein forms E1294fs, E1327fs.
Identifiers: ClinVar variation 2104467 (VCV002104467.4), dbSNP rs2515347783, ClinGen allele CA2580096358.
Genomic context (GRCh38, chr19:11,034,940, plus strand): 5'-CTGATGCCTCTCCCGTTGCCTCCCTGCCCACCAGCGCATGGACCTGGACCGCAGGCGCGA[GGA>G]GGCCCGCAACCCCAAGCGGAAGCCGCGCCTCATGGAGGAGGACGAGCTCCCCTCGTGGAT-3'